The following is an entry in ClinVar:

ClinVar aggregate classification (germline): Uncertain significance (1 of 4 stars; one submission).

Conditions:
Pyogenic bacterial infections due to MyD88 deficiency (IMD68). Also called: PYOGENIC BACTERIAL INFECTIONS, RECURRENT, DUE TO MYD88 DEFICIENCY. Identifiers: Orphanet 183713, MedGen C2677092, MONDO:0012839, OMIM 612260.

Allele frequency attached by ClinVar (database versions not stated): gnomAD exomes below 0.00001.

Submission:

Labcorp Genetics (formerly Invitae), Labcorp
Classification: Uncertain significance for Pyogenic bacterial infections due to MyD88 deficiency. Last evaluated: 2022-02-17. Review status: criteria provided, single submitter. Criteria: Invitae Variant Classification Sherloc (09022015). Collection method: clinical testing. Allele origin: germline.
Comment: This variant is not present in population databases (gnomAD no frequency). This sequence change replaces glutamic acid, which is acidic and polar, with lysine, which is basic and polar, at codon 78 of the MYD88 protein (p.Glu78Lys). This variant has not been reported in the literature in individuals affected with MYD88-related conditions. Algorithms developed to predict the effect of missense changes on protein structure and function are either unavailable or do not agree on the potential impact of this missense change (SIFT: "Deleterious"; PolyPhen-2: "Benign"; Align-GVGD: "Class C55"). In summary, the available evidence is currently insufficient to determine the role of this variant in disease. Therefore, it has been classified as a Variant of Uncertain Significance.

NM_002468.5(MYD88):c.193G>A (p.Glu65Lys)

Gene: MYD88 (MYD88 innate immune signal transduction adaptor; plus strand). Cytogenetic location: 3p22.2.
Variant type: single nucleotide variant.
Coding change: c.193G>A on transcript NM_002468.5 (MANE Select); coding-DNA position 193, G replaced by A.
Protein change: p.Glu65Lys; replaces glutamic acid 65 with lysine.
Molecular consequence: missense variant.
Genome position (GRCh38, 1-based): chr3:38,138,893, G>A. VCF-style: chr3-38138893-G-A. GRCh37 (hg19) VCF-style: chr3-38180384-G-A.
Other names: c.193G>A, p.Glu65Lys (NM_001172566.2, NM_001172567.2, NM_001172568.2 and 4 more transcripts); short protein forms E65K, E78K.
Identifiers: ClinVar variation 2050927 (VCV002050927.4), dbSNP rs1223776848, ClinGen allele CA352128869.